The following is an entry in ClinVar:

NM_001042492.3(NF1):c.5221C>T (p.His1741Tyr)

Gene: NF1 (neurofibromin 1; plus strand). Cytogenetic location: 17q11.2.
Variant type: single nucleotide variant.
Coding change: c.5221C>T on transcript NM_001042492.3 (MANE Select); coding-DNA position 5221, C replaced by T.
Protein change: p.His1741Tyr; replaces histidine 1741 with tyrosine.
Molecular consequence: missense variant.
Genome position (GRCh38, 1-based): chr17:31,326,205, C>T. VCF-style: chr17-31326205-C-T. GRCh37 (hg19) VCF-style: chr17-29653223-C-T.
Other names: c.5158C>T, p.His1720Tyr (NM_000267.4); short protein forms H1720Y, H1741Y.
Identifiers: ClinVar variation 232160 (VCV000232160.5), dbSNP rs780529277, ClinGen allele CA10580344.

ClinVar aggregate classification (germline): Uncertain significance. Review status: criteria provided, multiple submitters, no conflicts (2 of 4 stars). 2 submissions from 2 submitters: Uncertain significance (2). Last evaluated 2024-05-31.

Conditions:
Hereditary cancer-predisposing syndrome. Also called: Hereditary Cancer Syndrome; Neoplastic Syndromes, Hereditary; Tumor predisposition; Hereditary neoplastic syndrome. Identifiers: Orphanet 140162, MedGen C0027672, MeSH D009386, MONDO:0015356.
Neurofibromatosis, type 1 (NF1). Also called: Neurofibromatosis, type I; VON RECKLINGHAUSEN DISEASE; NEUROFIBROMATOSIS, TYPE I, SOMATIC; Peripheral type neurofibromatosis. Identifiers: Orphanet 636, MedGen C0027831, MONDO:0018975, OMIM 162200. Disease mechanism: loss of function.

Submissions (2):

Labcorp Genetics (formerly Invitae), Labcorp
Classification: Uncertain significance for Neurofibromatosis, type 1. Last evaluated: 2024-05-31. Review status: criteria provided, single submitter. Criteria: Invitae Variant Classification Sherloc (09022015). Collection method: clinical testing. Allele origin: germline.
Comment: This sequence change replaces histidine, which is basic and polar, with tyrosine, which is neutral and polar, at codon 1720 of the NF1 protein (p.His1720Tyr). This variant is not present in population databases (gnomAD no frequency). This variant has not been reported in the literature in individuals affected with NF1-related conditions. ClinVar contains an entry for this variant (Variation ID: 232160). Advanced modeling of protein sequence and biophysical properties (such as structural, functional, and spatial information, amino acid conservation, physicochemical variation, residue mobility, and thermodynamic stability) performed at Invitae indicates that this missense variant is not expected to disrupt NF1 protein function with a negative predictive value of 95%. In summary, the available evidence is currently insufficient to determine the role of this variant in disease. Therefore, it has been classified as a Variant of Uncertain Significance.

Ambry Genetics
Classification: Uncertain significance for Hereditary cancer-predisposing syndrome. Last evaluated: 2015-06-05. Review status: criteria provided, single submitter. Criteria: Ambry Autosomal Dominant and X-Linked criteria (10/2015). Collection method: clinical testing. Allele origin: germline. Observed: 1 variant allele.
Comment: The p.H1741Y variant (also known as c.5221C>T), located in coding exon 37 of the NF1 gene, results from a C to T substitution at nucleotide position 5221. The histidine at codon 1741 is replaced by tyrosine, an amino acid with similar properties. This variant was not reported in population based cohorts in the following databases: Database of Single Nucleotide Polymorphisms (dbSNP), NHLBI Exome Sequencing Project (ESP), and 1000 Genomes Project. In the ESP, this variant was not observed in 6503 samples (13006 alleles) with coverage at this position. To date, this alteration has been detected with an allele frequency of approximately 0.002% (greater than 55000 alleles tested) in our clinical cohort.This amino acid position is well conserved in available vertebrate species. In addition, this alteration is predicted to be tolerated by in silico analysis.Since supporting evidence is limited at this time, the clinical significance of this variant remains unclear.